The following is an entry in ClinVar:

ClinVar aggregate classification (germline): Likely pathogenic. Review status: reviewed by expert panel (3 of 4 stars). 3 submissions from 3 submitters: Likely pathogenic (1). 2 of the submissions do not count toward it. Last evaluated 2026-04-20.

Conditions:
RYR1-related disorder. Also called: RYR1-related disorders; RYR1-related condition. Identifiers: MedGen CN239331.
Malignant hyperthermia of anesthesia. Also called: Anesthesic-triggered malignant hyperthermia. Identifiers: Orphanet 423, MedGen C0024591, MONDO:0018493, HP:0034733.

Submissions (3):

ClinGen Malignant Hyperthermia Susceptibility Variant Curation Expert Panel, ClinGen
Classification: Likely pathogenic for Malignant hyperthermia of anesthesia. Last evaluated: 2026-04-20. Review status: reviewed by expert panel. Criteria: RYR1-MHS Interpretation Guidelines V2. Collection method: curation. Allele origin: germline. Inheritance: Autosomal dominant inheritance. Affected: yes. Observed: 2 variant alleles.
Comment: This pathogenicity assessment is relevant only for malignant hyperthermia susceptibility (MHS) inherited in an autosomal dominant pattern. Variants in RYR1 can also cause other myopathies inherited in an autosomal dominant pattern or in an autosomal recessive pattern. Some of these disorders may predispose individuals to malignant hyperthermia. RYR1 variants may also contribute to a malignant hyperthermia reaction in combination with other genetic and non-genetic factors and the clinician needs to consider such factors in making management decisions. This sequence variant predicts a substitution of valine with leucine at codon 4847 of the RYR1 protein, p.(Val4847Leu). This variant was not present in a large population database (gnomAD) at the time this variant was interpreted. This variant has been reported in two unrelated individuals who have a personal or family history of a malignant hyperthermia reaction, one of these individuals had a positive in vitro contracture test (IVCT) or caffeine halothane contracture test (CHCT) result (if the proband was unavailable for testing, a positive diagnostic test result in a mutation-positive relative was counted), PS4_Supporting (PMID:21455645, PMID:23558838). This variant segregates with MHS in at least eight individuals in one family, PP1_Strong (PMID:21455645). No functional studies were identified for this variant. This variant resides in a region of RYR1 considered to be a hotspot for pathogenic variants that contribute to MHS, PM1_Supporting (PMID: 21118704). A REVEL score of 0.762 supports neither a pathogenic nor a benign status for this variant. This variant has been classified as a Likely Pathogenic. Criteria implemented: PS4_Supporting, PM1_Supporting, PP1_Strong.

Labcorp Genetics (formerly Invitae), Labcorp
Classification: Pathogenic for RYR1-related disorder. Last evaluated: 2023-12-09. Review status: criteria provided, single submitter. Criteria: Invitae Variant Classification Sherloc (09022015). Collection method: clinical testing. Allele origin: germline. Not counted in ClinVar's aggregate classification.
Comment: This sequence change replaces valine, which is neutral and non-polar, with leucine, which is neutral and non-polar, at codon 4847 of the RYR1 protein (p.Val4847Leu). This variant is not present in population databases (gnomAD no frequency). This missense change has been observed in individual(s) with clinical features of autosomal dominant RYR1-related conditions (PMID: 21455645, 23558838, 29635721). It has also been observed to segregate with disease in related individuals. ClinVar contains an entry for this variant (Variation ID: 590456). Advanced modeling of protein sequence and biophysical properties (such as structural, functional, and spatial information, amino acid conservation, physicochemical variation, residue mobility, and thermodynamic stability) has been performed at Invitae for this missense variant, however the output from this modeling did not meet the statistical confidence thresholds required to predict the impact of this variant on RYR1 protein function. For these reasons, this variant has been classified as Pathogenic.

PreventionGenetics, part of Exact Sciences
Classification: Likely pathogenic for RYR1-related condition. Last evaluated: 2023-11-17. Review status: no assertion criteria provided. Collection method: clinical testing. Allele origin: germline. Not counted in ClinVar's aggregate classification.
Comment: The RYR1 c.14539G>C variant is predicted to result in the amino acid substitution p.Val4847Leu. This variant was reported in a large 3 generation Canadian family in which the variant segregated with 7 individuals that were considered malignant hyperthermia susceptible based on caffeine-halothane contracture tests (See Fig 2 in Kraeva et al. 2011. PubMed ID: 21455645). This variant was reported in another individual with a personal episode of malignant hyperthermia (Brandom et al. 2013. PubMed ID: 23558838). The c.14539G>C was also reported in two siblings with myalgia or rhabdomyolysis (Paris 1:1,1:2 in Witting et al. 2017. PubMed ID: 29635721). This variant has not been reported in a large population database, indicating this variant is rare. This variant is interpreted as likely pathogenic.

Literature cited by the submitters: PubMed 21455645 (cited by Labcorp Genetics (formerly Invitae), Labcorp); PubMed 23558838 (cited by Labcorp Genetics (formerly Invitae), Labcorp); PubMed 29635721 (cited by Labcorp Genetics (formerly Invitae), Labcorp).

NM_000540.3(RYR1):c.14539G>C (p.Val4847Leu)

Gene: RYR1 (ryanodine receptor 1; plus strand). Cytogenetic location: 19q13.2.
Variant type: single nucleotide variant.
Coding change: c.14539G>C on transcript NM_000540.3 (MANE Select); coding-DNA position 14539, G replaced by C.
Protein change: p.Val4847Leu; replaces valine 4847 with leucine.
Molecular consequence: missense variant.
Genome position (GRCh38, 1-based): chr19:38,580,397, G>C. VCF-style: chr19-38580397-G-C. GRCh37 (hg19) VCF-style: chr19-39071037-G-C.
Other names: c.14524G>C, p.Val4842Leu (NM_001042723.2); short protein forms V4847L, V4842L.
Identifiers: ClinVar variation 590456 (VCV000590456.9), dbSNP rs1568605042, ClinGen allele CA405687638.